The following is an entry in ClinVar:

ClinVar aggregate classification (germline): Uncertain significance (1 of 4 stars; one submission).

Allele frequency attached by ClinVar (database versions not stated): TOPMed 0.00001.

Submission:

Labcorp Genetics (formerly Invitae), Labcorp
Classification: Uncertain significance. Last evaluated: 2025-12-29. Review status: criteria provided, single submitter. Criteria: Invitae Variant Classification Sherloc (09022015). Collection method: clinical testing. Allele origin: germline.
Comment: This sequence change replaces methionine, which is neutral and non-polar, with threonine, which is neutral and polar, at codon 383 of the TNFAIP3 protein (p.Met383Thr). This variant is present in population databases (no rsID available, gnomAD 0.0009%). This variant has not been reported in the literature in individuals affected with TNFAIP3-related conditions. ClinVar contains an entry for this variant (Variation ID: 3014653). Invitae Evidence Modeling of protein sequence and biophysical properties (such as structural, functional, and spatial information, amino acid conservation, physicochemical variation, residue mobility, and thermodynamic stability) indicates that this missense variant is not expected to disrupt TNFAIP3 protein function with a negative predictive value of 80%. In summary, the available evidence is currently insufficient to determine the role of this variant in disease. Therefore, it has been classified as a Variant of Uncertain Significance.

NM_001270508.2(TNFAIP3):c.1148T>C (p.Met383Thr)

Gene: TNFAIP3 (TNF alpha induced protein 3; plus strand). Cytogenetic location: 6q23.3.
Variant type: single nucleotide variant.
Coding change: c.1148T>C on transcript NM_001270508.2 (MANE Select); coding-DNA position 1148, T replaced by C.
Protein change: p.Met383Thr; replaces methionine 383 with threonine.
Molecular consequence: missense variant.
Genome position (GRCh38, 1-based): chr6:137,878,593, T>C. VCF-style: chr6-137878593-T-C. GRCh37 (hg19) VCF-style: chr6-138199730-T-C.
Other names: c.1148T>C, p.Met383Thr (NM_001270507.2, NM_006290.4); short protein forms M383T.
Identifiers: ClinVar variation 3014653 (VCV003014653.3), dbSNP rs1289146384, ClinGen allele CA365788749.